The following is an entry in ClinVar:

NM_001283009.2(RTEL1):c.83T>G (p.Val28Gly)

Genes: RTEL1 (regulator of telomere elongation helicase 1; plus strand), RTEL1-TNFRSF6B (RTEL1-TNFRSF6B readthrough (NMD candidate); plus strand). Cytogenetic location: 20q13.33.
Variant type: single nucleotide variant.
Coding change: c.83T>G on transcript NM_001283009.2 (MANE Select); coding-DNA position 83, T replaced by G.
Protein change: p.Val28Gly; replaces valine 28 with glycine.
Molecular consequence: missense variant. On other transcripts: non-coding transcript variant (1), intron variant (1).
Genome position (GRCh38, 1-based): chr20:63,659,485, T>G. VCF-style: chr20-63659485-T-G. GRCh37 (hg19) VCF-style: chr20-62290838-T-G.
Other names: NM_001283009.2(RTEL1):c.83T>G; p.Val28Gly; c.83T>G, p.Val28Gly (NM_016434.4, NM_032957.5); c.-568+1026T>G (NM_001283010.1); short protein forms V28G.
Identifiers: ClinVar variation 3763719 (VCV003763719.5).

ClinVar aggregate classification (germline): Uncertain significance. Review status: criteria provided, multiple submitters, no conflicts (2 of 4 stars). 4 submissions from 4 submitters: Uncertain significance (4). Last evaluated 2026-04-13.

Conditions:
Dyskeratosis congenita, autosomal recessive 1. Identifiers: Orphanet 1775, MedGen C1857144, MONDO:0009136, OMIM 224230.
Inborn genetic diseases. Identifiers: MedGen C0950123, MeSH D030342.
Dyskeratosis congenita, autosomal recessive 5 (DKCB5). Identifiers: MedGen C3554656, MONDO:0014076, OMIM 615190.
Pulmonary fibrosis and/or bone marrow failure, Telomere-related, 3. Also called: PULMONARY FIBROSIS AND/OR BONE MARROW FAILURE SYNDROME, TELOMERE-RELATED, 3. Identifiers: Orphanet 2032, MedGen C4225346, MONDO:0014613, OMIM 616373.

gnomAD v4.1: 1 of 1,613,726 alleles (0.000062%); highest among the groups gnomAD compares: Non-Finnish European, 0.000085%; no homozygotes.

Submissions (4):

GeneDx
Classification: Uncertain significance. Last evaluated: 2026-04-13. Review status: criteria provided, single submitter. Criteria: GeneDx Variant Classification Process June 2021. Collection method: clinical testing. Allele origin: germline.
Comment: Not observed at significant frequency in large population cohorts (gnomAD); In silico analysis supports that this missense variant has a deleterious effect on protein structure/function; Has not been previously published as pathogenic or benign to our knowledge

Broad Center for Mendelian Genomics, Broad Institute of MIT and Harvard
Classification: Uncertain significance for Dyskeratosis congenita, autosomal recessive 1. Last evaluated: 2025-06-27. Review status: criteria provided, single submitter. Criteria: ACMG Guidelines, 2015. Collection method: curation. Allele origin: germline. Inheritance: Autosomal recessive inheritance. Study: GREGoR Consortium.
Comment: The phase of these variants are unknown at this time. The p.Val28Gly variant in RTEL1 has not been previously reported in the literature in individuals with dyskeratosis congenita, and has been identified in 0.00009% (1/1179710) of European (non-Finnish) chromosomes by the Genome Aggregation Database (gnomAD). Although this variant has been seen in the general population in a heterozygous state, its frequency is low enough to be consistent with a recessive carrier frequency. Computational prediction tools and conservation analyses suggest that this variant may impact the protein, though this information is not predictive enough to determine pathogenicity. In summary, the clinical significance of the p.Val28Gly variant is uncertain. ACMG/AMP Criteria applied: PP3, PM2_supporting (Richards 2015).

Ambry Genetics
Classification: Uncertain significance for Inborn genetic diseases. Last evaluated: 2025-01-06. Review status: criteria provided, single submitter. Criteria: Ambry Variant Classification Scheme 2023. Collection method: clinical testing. Allele origin: germline.
Comment: The p.V28G variant (also known as c.83T>G), located in coding exon 1 of the RTEL1 gene, results from a T to G substitution at nucleotide position 83. The valine at codon 28 is replaced by glycine, an amino acid with dissimilar properties. This amino acid position is conserved. In addition, this alteration is predicted to be deleterious by in silico analysis. Based on the available evidence, the clinical significance of this variant remains unclear.

Labcorp Genetics (formerly Invitae), Labcorp
Classification: Uncertain significance for Dyskeratosis congenita, autosomal recessive 5; Pulmonary fibrosis and/or bone marrow failure, Telomere-related, 3. Last evaluated: 2024-06-14. Review status: criteria provided, single submitter. Criteria: Invitae Variant Classification Sherloc (09022015). Collection method: clinical testing. Allele origin: germline.
Comment: This sequence change replaces valine, which is neutral and non-polar, with glycine, which is neutral and non-polar, at codon 28 of the RTEL1 protein (p.Val28Gly). This variant is not present in population databases (gnomAD no frequency). This variant has not been reported in the literature in individuals affected with RTEL1-related conditions. An algorithm developed to predict the effect of missense changes on protein structure and function (PolyPhen-2) suggests that this variant is likely to be disruptive. In summary, the available evidence is currently insufficient to determine the role of this variant in disease. Therefore, it has been classified as a Variant of Uncertain Significance.